The following is an entry in ClinVar:

ClinVar aggregate classification (germline): Pathogenic. Review status: criteria provided, multiple submitters, no conflicts (2 of 4 stars). 2 submissions from 2 submitters: Pathogenic (2). Last evaluated 2022-01-03.

Conditions:
Rubinstein-Taybi syndrome due to CREBBP mutations (RSTS1). Also called: Rubinstein-Taybi syndrome 1; BROAD THUMBS AND GREAT TOES, CHARACTERISTIC FACIES, AND IMPAIRED INTELLECTUAL DEVELOPMENT; RUBINSTEIN SYNDROME; CREBBP-Related Rubinstein-Taybi Syndrome; BROAD THUMB-HALLUX SYNDROME; RUBINSTEIN-TAYBI SYNDROME 1, INCOMPLETE. Identifiers: Orphanet 353277, Orphanet 783, MedGen C4551859, MONDO:0008393, OMIM 180849.

Submissions (2):

3billion
Classification: Pathogenic for Rubinstein-Taybi syndrome due to CREBBP mutations. Last evaluated: 2022-01-03. Review status: criteria provided, single submitter. Criteria: ACMG Guidelines, 2015. Collection method: clinical testing. Allele origin: germline. Affected: yes. Observed: 1 heterozygote.
Comment: Canonical splice site: predicted to alter splicing and result in a loss or disruption of normal protein function through protein truncation. Multiple pathogenic variants are reported in the predicted truncated region (PVS1_VS). The variant has been reported to be associated with CREBBP related disorder (ClinVar ID: VCV001098286). It is not observed in the gnomAD v2.1.1 dataset (PM2_M).Therefore, this variant is classified as pathogenic according to the recommendation of ACMG/AMP guideline.

Genetics and Prenatal Diagnosis Center, The First Affiliated Hospital of Zhengzhou University
Classification: Pathogenic for Rubinstein-Taybi syndrome due to CREBBP mutations. Last evaluated: 2021-05-13. Review status: criteria provided, single submitter. Criteria: ACMG Guidelines, 2015. Collection method: clinical testing. Allele origin: de novo. Affected: yes.

NM_004380.3(CREBBP):c.3369+1del

Gene: CREBBP (CREB binding lysine acetyltransferase; minus strand). Cytogenetic location: 16p13.3.
Variant type: Deletion.
Coding change: c.3369+1del on transcript NM_004380.3 (MANE Select); the canonical splice donor site of the intron after coding-DNA position 3369, one base deleted (G; older notation c.3369+1delG).
Molecular consequence: splice donor variant.
Genome position (GRCh38, 1-based): chr16:3,758,853, C deleted on the plus strand (G on the coding strand, the reverse complement: CREBBP is on the minus strand). VCF-style (leftmost placement, unchanged base first): chr16-3758852-AC-A. GRCh37 (hg19) VCF-style: chr16-3808853-AC-A.
Other names: c.3255+1del (NM_001079846.1); c.3369+1delG (NM_004380.3).
Identifiers: ClinVar variation 1098286 (VCV001098286.2), dbSNP rs2151385509, ClinGen allele CA2499223522.